The following is an entry in ClinVar:

ClinVar aggregate classification (germline): Uncertain significance (1 of 4 stars; one submission).

Conditions:
Cardiovascular phenotype. Identifiers: MedGen CN230736.

Submission:

Ambry Genetics
Classification: Uncertain significance for Cardiovascular phenotype. Last evaluated: 2023-01-03. Review status: criteria provided, single submitter. Criteria: Ambry Variant Classification Scheme 2023. Collection method: clinical testing. Allele origin: germline.
Comment: The p.L4067S variant (also known as c.12200T>C), located in coding exon 90 of the RYR2 gene, results from a T to C substitution at nucleotide position 12200. The leucine at codon 4067 is replaced by serine, an amino acid with dissimilar properties. This amino acid position is highly conserved in available vertebrate species. In addition, this alteration is predicted to be deleterious by in silico analysis. Since supporting evidence is limited at this time, the clinical significance of this alteration remains unclear.

NM_001035.3(RYR2):c.12200T>C (p.Leu4067Ser)

Gene: RYR2 (ryanodine receptor 2; plus strand). Cytogenetic location: 1q43.
Variant type: single nucleotide variant.
Coding change: c.12200T>C on transcript NM_001035.3 (MANE Select); coding-DNA position 12200, T replaced by C.
Protein change: p.Leu4067Ser; replaces leucine 4067 with serine.
Molecular consequence: missense variant.
Genome position (GRCh38, 1-based): chr1:237,783,912, T>C. VCF-style: chr1-237783912-T-C. GRCh37 (hg19) VCF-style: chr1-237947212-T-C.
Other names: short protein forms L4067S.
Identifiers: ClinVar variation 3232378 (VCV003232378.1), dbSNP rs2527778038, ClinGen allele CA345412552.